The following is an entry in ClinVar:

ClinVar aggregate classification (germline): Uncertain significance (0 of 4 stars; one submission).

Conditions:
Hypotonia. Also called: Muscular hypotonia; poor muscle tone. Identifiers: MedGen C0026827, HP:0001252.
Delayed myelination. Identifiers: MedGen C1277241, HP:0012448.
Global developmental delay (DD). Also called: Cognitive delay. Identifiers: MedGen C0557874, HP:0001263. Disease mechanism: loss of function.

Submission:

Center for Human Genetics and Genomic Medicine, Uniklinik Rwth Aachen
Classification: Uncertain significance for Global developmental delay; Hypotonia; Delayed myelination. Last evaluated: 2019-11-13. Review status: no assertion criteria provided. Collection method: clinical testing. Allele origin: germline. Inheritance: Autosomal recessive inheritance. Affected: yes. Observed: 1 homozygote.
Comment: Two affected siblings of consanguineous parents, both homoygous for the variant.

NM_020971.3(SPTBN4):c.3949-1G>A

Gene: SPTBN4 (spectrin beta, non-erythrocytic 4; plus strand). Cytogenetic location: 19q13.2.
Variant type: single nucleotide variant.
Coding change: c.3949-1G>A on transcript NM_020971.3 (MANE Select); the canonical splice acceptor site of the intron before coding-DNA position 3949, G replaced by A.
Molecular consequence: splice acceptor variant.
Genome position (GRCh38, 1-based): chr19:40,532,624, G>A. VCF-style: chr19-40532624-G-A. GRCh37 (hg19) VCF-style: chr19-41038531-G-A.
Other names: chr19:41038531G>A; c.-24-1G>A (NM_025213.3).
Identifiers: ClinVar variation 694501 (VCV000694501.4), dbSNP rs1599773719, ClinGen allele CA405919332.